The following is an entry in ClinVar:

NM_001845.6(COL4A1):c.3406G>A (p.Gly1136Ser)

Gene: COL4A1 (collagen type IV alpha 1 chain; minus strand). Cytogenetic location: 13q34.
Variant type: single nucleotide variant.
Coding change: c.3406G>A on transcript NM_001845.6 (MANE Select); coding-DNA position 3406, G replaced by A.
Protein change: p.Gly1136Ser; replaces glycine 1136 with serine.
Molecular consequence: missense variant.
Genome position (GRCh38, 1-based): chr13:110,174,446, C>T on the plus strand (G>A on the coding strand, the complement: COL4A1 is on the minus strand). VCF-style: chr13-110174446-C-T. GRCh37 (hg19) VCF-style: chr13-110826793-C-T.
Other names: short protein forms G1136S.
Identifiers: ClinVar variation 1027963 (VCV001027963.2), dbSNP rs1877783774, ClinGen allele CA388664316.

ClinVar aggregate classification (germline): Conflicting classifications of pathogenicity. Review status: criteria provided, conflicting classifications (1 of 4 stars). 2 submissions from 2 submitters: Likely pathogenic (1); Uncertain significance (1). Last evaluated 2025-04-02.

Conditions:
Autosomal dominant familial hematuria-retinal arteriolar tortuosity-contractures syndrome. Also called: Angiopathy, hereditary, with nephropathy, aneurysms, and muscle cramps; Hereditary Angiopathy with Nephropathy, Aneurysms, and Muscle Cramps (HANAC) Syndrome. Identifiers: Orphanet 73229, MedGen C2673195, MONDO:0012726, OMIM 611773.
Brain small vessel disease 1 with or without ocular anomalies (BSVD1). Also called: PORENCEPHALY, TYPE 1, AUTOSOMAL DOMINANT; GOULD SYNDROME 1; Brain small vessel disease with or without ocular anomalies; BRAIN SMALL VESSEL DISEASE WITH HEMORRHAGE. Identifiers: Orphanet 2940, Orphanet 36383, Orphanet 99810, MedGen C4755307, MONDO:0008289, OMIM 175780.

gnomAD v4.1: 1 of 1,613,826 alleles (0.000062%); no homozygotes.

Submissions (2):

Laboratoire Génétique Moléculaire, CHRU TOURS
Classification: Likely pathogenic for Brain small vessel disease 1 with or without ocular anomalies. Last evaluated: 2025-04-02. Review status: criteria provided, single submitter. Criteria: ACMG Guidelines, 2015. Collection method: clinical testing. Allele origin: paternal. Affected: yes.
Comment: PM1;PM2;PP3;PP4

Baylor Genetics
Classification: Uncertain significance for Autosomal dominant familial hematuria-retinal arteriolar tortuosity-contractures syndrome. Last evaluated: 2020-04-17. Review status: criteria provided, single submitter. Criteria: ACMG Guidelines, 2015. Collection method: clinical testing. Allele origin: unknown. Affected: yes.
Comment: This variant was determined to be of uncertain significance according to ACMG Guidelines, 2015 [PMID:25741868].